The following is an entry in ClinVar:

ClinVar aggregate classification (germline): Uncertain significance. Review status: criteria provided, multiple submitters, no conflicts (2 of 4 stars). 2 submissions from 2 submitters: Uncertain significance (2). Last evaluated 2023-10-12.

Conditions:
Cardiovascular phenotype. Identifiers: MedGen CN230736.
Hypertrophic cardiomyopathy. Also called: HYPERTROPHIC MYOCARDIOPATHY. Identifiers: Orphanet 217569, MedGen C0007194, MeSH D002312, MONDO:0005045, HP:0001639.

Submissions (2):

Ambry Genetics
Classification: Uncertain significance for Cardiovascular phenotype. Last evaluated: 2023-10-12. Review status: criteria provided, single submitter. Criteria: Ambry Variant Classification Scheme 2023. Collection method: clinical testing. Allele origin: germline.
Comment: The p.Q1090R variant (also known as c.3269A>G), located in coding exon 30 of the MYBPC3 gene, results from an A to G substitution at nucleotide position 3269. The glutamine at codon 1090 is replaced by arginine, an amino acid with highly similar properties. This amino acid position is conserved. In addition, this alteration is predicted to be tolerated by in silico analysis. Since supporting evidence is limited at this time, the clinical significance of this alteration remains unclear.

Labcorp Genetics (formerly Invitae), Labcorp
Classification: Uncertain significance for Hypertrophic cardiomyopathy. Last evaluated: 2023-08-23. Review status: criteria provided, single submitter. Criteria: Invitae Variant Classification Sherloc (09022015). Collection method: clinical testing. Allele origin: germline.
Comment: In summary, the available evidence is currently insufficient to determine the role of this variant in disease. Therefore, it has been classified as a Variant of Uncertain Significance. An algorithm developed to predict the effect of missense changes on protein structure and function (PolyPhen-2) suggests that this variant is likely to be tolerated. This variant has not been reported in the literature in individuals affected with MYBPC3-related conditions. This variant is not present in population databases (gnomAD no frequency). This sequence change replaces glutamine, which is neutral and polar, with arginine, which is basic and polar, at codon 1090 of the MYBPC3 protein (p.Gln1090Arg).

NM_000256.3(MYBPC3):c.3269A>G (p.Gln1090Arg)

Gene: MYBPC3 (myosin binding protein C3; minus strand). Cytogenetic location: 11p11.2.
Variant type: single nucleotide variant.
Coding change: c.3269A>G on transcript NM_000256.3 (MANE Select); coding-DNA position 3269, A replaced by G.
Protein change: p.Gln1090Arg; replaces glutamine 1090 with arginine.
Molecular consequence: missense variant.
Genome position (GRCh38, 1-based): chr11:47,333,255, T>C on the plus strand (A>G on the coding strand, the complement: MYBPC3 is on the minus strand). VCF-style: chr11-47333255-T-C. GRCh37 (hg19) VCF-style: chr11-47354806-T-C.
Other names: short protein forms Q1090R.
Identifiers: ClinVar variation 2779557 (VCV002779557.4), dbSNP rs2495740117, ClinGen allele CA380314227.